The following is an entry in ClinVar:

NM_014252.4(SLC25A15):c.523dup (p.Ser175fs)

Gene: SLC25A15 (solute carrier family 25 member 15; plus strand). Cytogenetic location: 13q14.11.
Variant type: Duplication.
Coding change: c.523dup on transcript NM_014252.4 (MANE Select); coding-DNA position 523, one base duplicated (A; older notation c.523dupA).
Protein change: p.Ser175fs; shifts the reading frame from serine 175.
Molecular consequence: frameshift variant.
Genome position (GRCh38, 1-based): chr13:40,807,364, A duplicated; the last of 2 consecutive A bases (chr13:40,807,363-40,807,364); duplicating either gives the same sequence. VCF-style (leftmost placement, unchanged base first): chr13-40807362-C-CA. GRCh37 (hg19) VCF-style: chr13-41381498-C-CA.
Other names: short protein forms S175fs.
Identifiers: ClinVar variation 3644116 (VCV003644116.3).
Genomic context (GRCh38, chr13:40,807,362, plus strand): 5'-GGTCTGTCATCAAAAGTATTCTTAGGAAAGATGGCCCCTTGGGGTTCTACCATGGACTCT[C>CA]AAGCACTTTACTTCGAGAAGTACCAGGCTATTTCTTCTTCTTCGGTGGCTATGAACTGAG-3'

ClinVar aggregate classification (germline): Pathogenic/Likely pathogenic. Review status: criteria provided, multiple submitters, no conflicts (2 of 4 stars). 2 submissions from 2 submitters: Pathogenic (1); Likely pathogenic (1). Last evaluated 2025-09-24.

Conditions:
Hyperornithinemia-hyperammonemia-homocitrullinuria syndrome (HHHS). Also called: HHH SYNDROME; Ornithine translocase deficiency. Identifiers: Orphanet 415, MedGen C0268540, MONDO:0009393, OMIM 238970.

Submissions (2):

Genesolutions, Medical Genetics Institutes, Ho Chi Minh City, Vietnam
Classification: Likely pathogenic for Hyperornithinemia-hyperammonemia-homocitrullinuria syndrome. Last evaluated: 2025-09-24. Review status: criteria provided, single submitter. Criteria: ACMG Guidelines, 2015. Collection method: clinical testing. Allele origin: germline. Affected: yes.

Labcorp Genetics (formerly Invitae), Labcorp
Classification: Pathogenic for Hyperornithinemia-hyperammonemia-homocitrullinuria syndrome. Last evaluated: 2024-03-02. Review status: criteria provided, single submitter. Criteria: Invitae Variant Classification Sherloc (09022015). Collection method: clinical testing. Allele origin: germline.
Comment: This sequence change creates a premature translational stop signal (p.Ser175Lysfs*18) in the SLC25A15 gene. It is expected to result in an absent or disrupted protein product. Loss-of-function variants in SLC25A15 are known to be pathogenic (PMID: 11552031, 19242930). This variant is not present in population databases (gnomAD no frequency). This variant has not been reported in the literature in individuals affected with SLC25A15-related conditions. For these reasons, this variant has been classified as Pathogenic.

Literature cited by the submitters: PubMed 11552031 (cited by Labcorp Genetics (formerly Invitae), Labcorp); PubMed 19242930 (cited by Labcorp Genetics (formerly Invitae), Labcorp).